The following is an entry in ClinVar:

ClinVar aggregate classification (germline): Uncertain significance (1 of 4 stars; one submission).

gnomAD v4.1: 4 of 1,212,562 alleles (0.00033%); highest among the groups gnomAD compares: African/African-American, 0.0017%; no homozygotes.

Submission:

GeneDx
Classification: Uncertain significance. Last evaluated: 2026-03-27. Review status: criteria provided, single submitter. Criteria: GeneDx Variant Classification Process June 2021. Collection method: clinical testing. Allele origin: germline.
Comment: Not observed at significant frequency in large population cohorts (gnomAD); In silico analysis suggests that this missense variant does not alter protein structure/function; Has not been previously published as pathogenic or benign to our knowledge

NM_181303.2(NLGN3):c.808G>A (p.Glu270Lys)

Gene: NLGN3 (neuroligin 3; plus strand). Cytogenetic location: Xq13.1.
Variant type: single nucleotide variant.
Coding change: c.808G>A on transcript NM_181303.2 (MANE Select); coding-DNA position 808, G replaced by A.
Protein change: p.Glu270Lys; replaces glutamic acid 270 with lysine.
Molecular consequence: missense variant.
Genome position (GRCh38, 1-based): chrX:71,164,223, G>A. VCF-style: chrX-71164223-G-A. GRCh37 (hg19) VCF-style: chrX-70384073-G-A.
Other names: c.688G>A, p.Glu230Lys (NM_001166660.2); c.397G>A, p.Glu133Lys (NM_001321276.2); c.748G>A, p.Glu250Lys (NM_018977.4); short protein forms E133K, E230K, E250K, E270K.
Identifiers: ClinVar variation 3365324 (VCV003365324.2).